The following is an entry in ClinVar:

ClinVar aggregate classification (germline): Uncertain significance (1 of 4 stars; one submission).

Conditions:
Progressive sclerosing poliodystrophy (MTDPS4A). Also called: NEURONAL DEGENERATION OF CHILDHOOD WITH LIVER DISEASE, PROGRESSIVE; Alpers Syndrome; ALPERS DIFFUSE DEGENERATION OF CEREBRAL GRAY MATTER WITH HEPATIC CIRRHOSIS; Alpers-Huttenlocher Syndrome; Mitochondrial DNA depletion syndrome 4A (Alpers type); Mitochondrial DNA Depletion Syndrome 4A. Identifiers: Orphanet 726, MedGen C0205710, MONDO:0008758, OMIM 203700.

Submission:

Labcorp Genetics (formerly Invitae), Labcorp
Classification: Uncertain significance for Progressive sclerosing poliodystrophy. Last evaluated: 2025-06-06. Review status: criteria provided, single submitter. Criteria: Invitae Variant Classification Sherloc (09022015). Collection method: clinical testing. Allele origin: germline.
Comment: This variant, c.129_158dup, results in the insertion of 10 amino acid(s) of the POLG protein (p.Gln46_Gln55dup), but otherwise preserves the integrity of the reading frame. This variant is not present in population databases (gnomAD no frequency). This variant has not been reported in the literature in individuals affected with POLG-related conditions. Experimental studies and prediction algorithms are not available or were not evaluated, and the functional significance of this variant is currently unknown. In summary, the available evidence is currently insufficient to determine the role of this variant in disease. Therefore, it has been classified as a Variant of Uncertain Significance.

NM_002693.3(POLG):c.126GCA[21] (p.Gln46_Gln55dup)

Genes: POLG (DNA polymerase gamma, catalytic subunit; minus strand), POLGARF (POLG alternative reading frame; minus strand). Cytogenetic location: 15q26.1.
Variant type: Microsatellite.
Coding change: c.126GCA[21] on transcript NM_002693.3 (MANE Select); 21 copies in a row of the 3-base unit GCA starting at c.126; the reference has 11 copies in a row; ten copies, 30 bases duplicated.
Protein change: p.Gln46_Gln55dup.
Molecular consequence: inframe insertion.
Genome position (GRCh38, 1-based): chr15:89,333,597-89,333,626, TGCTGCTGCTGCTGCTGCTGCTGCTGCTGC duplicated on the plus strand (GCAGCAGCAGCAGCAGCAGCAGCAGCAGCA on the coding strand, the reverse complement: POLG is on the minus strand); duplicating any 30 consecutive bases within chr15:89,333,597-89,333,629 gives the same sequence; the position shown is the placement nearest the transcript's 3' end. VCF-style (leftmost placement, unchanged base first): chr15-89333596-T-TTGCTGCTGCTGCTGCTGCTGCTGCTGCTGC. GRCh37 (hg19) VCF-style: chr15-89876827-T-TTGCTGCTGCTGCTGCTGCTGCTGCTGCTGC.
Other names: c.126GCA[21], p.Gln46_Gln55dup (NM_001126131.2).
Identifiers: ClinVar variation 1346841 (VCV001346841.6), dbSNP rs41550117, ClinGen allele CA972594257.